The following is an entry in ClinVar:

NM_003108.4(SOX11):c.513G>A (p.Lys171=)

Gene: SOX11 (SRY-box transcription factor 11; plus strand). Cytogenetic location: 2p25.2.
Variant type: single nucleotide variant.
Coding change: c.513G>A on transcript NM_003108.4 (MANE Select); coding-DNA position 513, G replaced by A.
Protein change: p.Lys171=; no amino-acid change (lysine 171 retained).
Molecular consequence: synonymous variant.
Genome position (GRCh38, 1-based): chr2:5,693,234, G>A. VCF-style: chr2-5693234-G-A. GRCh37 (hg19) VCF-style: chr2-5833366-G-A.
Identifiers: ClinVar variation 3615229 (VCV003615229.2).

ClinVar aggregate classification (germline): Uncertain significance (1 of 4 stars; one submission).

Submission:

Labcorp Genetics (formerly Invitae), Labcorp
Classification: Uncertain significance. Last evaluated: 2024-03-02. Review status: criteria provided, single submitter. Criteria: Invitae Variant Classification Sherloc (09022015). Collection method: clinical testing. Allele origin: germline.
Comment: This sequence change affects codon 171 of the SOX11 mRNA. It is a 'silent' change, meaning that it does not change the encoded amino acid sequence of the SOX11 protein. This variant is not present in population databases (gnomAD no frequency). This variant has not been reported in the literature in individuals affected with SOX11-related conditions. In summary, the available evidence is currently insufficient to determine the role of this variant in disease. Therefore, it has been classified as a Variant of Uncertain Significance.